The following is an entry in ClinVar:

NM_015978.3(TNNI3K):c.2375G>A (p.Gly792Asp)

Genes: FPGT-TNNI3K (FPGT-TNNI3K readthrough; plus strand), TNNI3K (TNNI3 interacting kinase; plus strand). Cytogenetic location: 1p31.1.
Variant type: single nucleotide variant.
Coding change: c.2375G>A on transcript NM_015978.3 (MANE Select); coding-DNA position 2375, G replaced by A.
Protein change: p.Gly792Asp; replaces glycine 792 with aspartic acid.
Molecular consequence: missense variant.
Genome position (GRCh38, 1-based): chr1:74,540,257, G>A. VCF-style: chr1-74540257-G-A. GRCh37 (hg19) VCF-style: chr1-75005941-G-A.
Other names: c.2678G>A, p.Gly893Asp (NM_001112808.3); short protein forms G792D, G893D.
Identifiers: ClinVar variation 1718407 (VCV001718407.5), dbSNP rs760873460, ClinGen allele CA340799154.

ClinVar aggregate classification (germline): Uncertain significance (1 of 4 stars; one submission).

Submission:

Labcorp Genetics (formerly Invitae), Labcorp
Classification: Uncertain significance. Last evaluated: 2022-09-08. Review status: criteria provided, single submitter. Criteria: Invitae Variant Classification Sherloc (09022015). Collection method: clinical testing. Allele origin: germline.
Comment: Algorithms developed to predict the effect of missense changes on protein structure and function are either unavailable or do not agree on the potential impact of this missense change (SIFT: "Deleterious"; PolyPhen-2: "Probably Damaging"; Align-GVGD: "Class C0"). This sequence change replaces glycine, which is neutral and non-polar, with aspartic acid, which is acidic and polar, at codon 792 of the TNNI3K protein (p.Gly792Asp). This variant is not present in population databases (gnomAD no frequency). This variant has not been reported in the literature in individuals affected with TNNI3K-related conditions. In summary, the available evidence is currently insufficient to determine the role of this variant in disease. Therefore, it has been classified as a Variant of Uncertain Significance.